The following is an entry in ClinVar:

NM_001171.6(ABCC6):c.4037C>A (p.Pro1346His)

Gene: ABCC6 (ATP binding cassette subfamily C member 6; minus strand). Cytogenetic location: 16p13.11.
Variant type: single nucleotide variant.
Coding change: c.4037C>A on transcript NM_001171.6 (MANE Select); coding-DNA position 4037, C replaced by A.
Protein change: p.Pro1346His; replaces proline 1346 with histidine.
Molecular consequence: missense variant. On other transcripts: non-coding transcript variant (4).
Genome position (GRCh38, 1-based): chr16:16,154,877, G>T on the plus strand (C>A on the coding strand, the complement: ABCC6 is on the minus strand). VCF-style: chr16-16154877-G-T. GRCh37 (hg19) VCF-style: chr16-16248734-G-T.
Other names: c.3695C>A, p.Pro1232His (NM_001351800.1); c.4004C>A, p.Pro1335His (NM_001440309.1); c.3869C>A, p.Pro1290His (NM_001440310.1); short protein forms P1290H, P1346H, P1232H, P1335H.
Identifiers: ClinVar variation 4745977 (VCV004745977.1).

ClinVar aggregate classification (germline): Uncertain significance (1 of 4 stars; one submission).

Submission:

Labcorp Genetics (formerly Invitae), Labcorp
Classification: Uncertain significance. Last evaluated: 2025-10-29. Review status: criteria provided, single submitter. Criteria: Invitae Variant Classification Sherloc (09022015). Collection method: clinical testing. Allele origin: germline.
Comment: This sequence change replaces proline, which is neutral and non-polar, with histidine, which is basic and polar, at codon 1346 of the ABCC6 protein (p.Pro1346His). This variant is not present in population databases (gnomAD no frequency). This variant has not been reported in the literature in individuals affected with ABCC6-related conditions. Invitae Evidence Modeling of protein sequence and biophysical properties (such as structural, functional, and spatial information, amino acid conservation, physicochemical variation, residue mobility, and thermodynamic stability) indicates that this missense variant is expected to disrupt ABCC6 protein function with a positive predictive value of 95%. In summary, the available evidence is currently insufficient to determine the role of this variant in disease. Therefore, it has been classified as a Variant of Uncertain Significance.